The following is an entry in ClinVar:

NM_000428.3(LTBP2):c.3979C>G (p.Arg1327Gly)

Gene: LTBP2 (latent transforming growth factor beta binding protein 2; minus strand). Cytogenetic location: 14q24.3.
Variant type: single nucleotide variant.
Coding change: c.3979C>G on transcript NM_000428.3 (MANE Select); coding-DNA position 3979, C replaced by G.
Protein change: p.Arg1327Gly; replaces arginine 1327 with glycine.
Molecular consequence: missense variant.
Genome position (GRCh38, 1-based): chr14:74,506,752, G>C on the plus strand (C>G on the coding strand, the complement: LTBP2 is on the minus strand). VCF-style: chr14-74506752-G-C. GRCh37 (hg19) VCF-style: chr14-74973455-G-C.
Other names: short protein forms R1327G.
Identifiers: ClinVar variation 1305623 (VCV001305623.6), dbSNP rs758023418, ClinGen allele CA390386813.

ClinVar aggregate classification (germline): Uncertain significance. Review status: criteria provided, multiple submitters, no conflicts (2 of 4 stars). 2 submissions from 2 submitters: Uncertain significance (2). Last evaluated 2022-04-25.

gnomAD v4.1: 19 of 1,613,906 alleles (0.0012%); highest among the groups gnomAD compares: African/African-American, 0.004%; no homozygotes.

Submissions (2):

Labcorp Genetics (formerly Invitae), Labcorp
Classification: Uncertain significance. Last evaluated: 2022-04-25. Review status: criteria provided, single submitter. Criteria: Invitae Variant Classification Sherloc (09022015). Collection method: clinical testing. Allele origin: germline.
Comment: ClinVar contains an entry for this variant (Variation ID: 1305623). In summary, the available evidence is currently insufficient to determine the role of this variant in disease. Therefore, it has been classified as a Variant of Uncertain Significance. Algorithms developed to predict the effect of missense changes on protein structure and function are either unavailable or do not agree on the potential impact of this missense change (SIFT: "Deleterious"; PolyPhen-2: "Possibly Damaging"; Align-GVGD: "Class C0"). This variant has not been reported in the literature in individuals affected with LTBP2-related conditions. This variant is present in population databases (no rsID available, gnomAD 0.007%). This sequence change replaces arginine, which is basic and polar, with glycine, which is neutral and non-polar, at codon 1327 of the LTBP2 protein (p.Arg1327Gly).

GeneDx
Classification: Uncertain significance. Last evaluated: 2019-05-06. Review status: criteria provided, single submitter. Criteria: GeneDx Variant Classification Process June 2021. Collection method: clinical testing. Allele origin: germline. Affected: yes.
Comment: In silico analysis, which includes protein predictors and evolutionary conservation, supports a deleterious effect; Has not been previously published as pathogenic or benign to our knowledge